The following is an entry in ClinVar:

NM_182961.4(SYNE1):c.12933G>A (p.Lys4311=)

Gene: SYNE1 (spectrin repeat containing nuclear envelope protein 1; minus strand). Cytogenetic location: 6q25.2.
Variant type: single nucleotide variant.
Coding change: c.12933G>A on transcript NM_182961.4 (MANE Select); coding-DNA position 12933, G replaced by A.
Protein change: p.Lys4311=; no amino-acid change (lysine 4311 retained).
Molecular consequence: synonymous variant.
Genome position (GRCh38, 1-based): chr6:152,331,752, C>T on the plus strand (G>A on the coding strand, the complement: SYNE1 is on the minus strand). VCF-style: chr6-152331752-C-T. GRCh37 (hg19) VCF-style: chr6-152652887-C-T.
Other names: c.12720G>A, p.Lys4240= (NM_033071.5).
Identifiers: ClinVar variation 3257630 (VCV003257630.17).
Genomic context (GRCh38, chr6:152,331,752, plus strand): 5'-GAGGTCCTCAAGCTGAAACCAACGTTGCTCTAAATGACTCGTCTGTTCTTTGACTAACTC[C>T]TTGTCATCTAAATTCAGATGCTCTATCATTTTCTGCTTTTGATCTTTCAGATCTTCAATA-3'
Protein context (NP_892006.3, residues 4301-4321): KMIEHLNLDD[Lys4311=]ELVKEQTSHL

ClinVar aggregate classification (germline): Likely benign (1 of 4 stars; one submission).

Submission:

CeGaT Center for Human Genetics Tuebingen
Classification: Likely benign. Last evaluated: 2024-07-01. Review status: criteria provided, single submitter. Criteria: CeGaT Center For Human Genetics Tuebingen Variant Classification Criteria Version 2. Collection method: clinical testing. Allele origin: germline. Affected: yes. Observed: 1 variant allele.
Comment: SYNE1: PM2:Supporting, BP4, BP7